The following is an entry in ClinVar:

ClinVar aggregate classification (germline): Benign. Review status: criteria provided, multiple submitters, no conflicts (2 of 4 stars). 3 submissions from 3 submitters: Benign (2). 1 of the submissions does not count toward it. Last evaluated 2018-07-18.

Conditions:
LRP1B-related disorder. Also called: LRP1B-related condition.

Allele frequency attached by ClinVar (database versions not stated): ESP Exome Variant Server 0.00054; gnomAD 0.00071 and 0.00075; ExAC 0.00082; gnomAD exomes 0.00082 and 0.00088; TOPMed 0.00093.
gnomAD v4.1: 1,399 of 1,612,360 alleles (0.087%); highest among the groups gnomAD compares: Admixed American, 0.23%; 5 homozygotes.

Submissions (3):

Labcorp Genetics (formerly Invitae), Labcorp
Classification: Benign. Last evaluated: 2018-07-18. Review status: criteria provided, single submitter. Criteria: Invitae Variant Classification Sherloc (09022015). Collection method: clinical testing. Allele origin: germline.

Breakthrough Genomics
Classification: Benign. Review status: criteria provided, single submitter. Criteria: ACMG Guidelines, 2015. Collection method: not provided. Allele origin: germline. Inheritance: Unknown mechanism. Affected: yes.

PreventionGenetics, part of Exact Sciences
Classification: Likely benign for LRP1B-related condition. Last evaluated: 2020-01-03. Review status: no assertion criteria provided. Collection method: clinical testing. Allele origin: germline. Not counted in ClinVar's aggregate classification.
Comment: This variant is classified as likely benign based on ACMG/AMP sequence variant interpretation guidelines (Richards et al. 2015 PMID: 25741868, with internal and published modifications).

NM_018557.3(LRP1B):c.7947C>T (p.Thr2649=)

Gene: LRP1B (LDL receptor related protein 1B; minus strand). Cytogenetic location: 2q22.1.
Variant type: single nucleotide variant.
Coding change: c.7947C>T on transcript NM_018557.3 (MANE Select); coding-DNA position 7947, C replaced by T.
Protein change: p.Thr2649=; no amino-acid change (threonine 2649 retained).
Molecular consequence: synonymous variant.
Genome position (GRCh38, 1-based): chr2:140,525,923, G>A on the plus strand (C>T on the coding strand, the complement: LRP1B is on the minus strand). VCF-style: chr2-140525923-G-A. GRCh37 (hg19) VCF-style: chr2-141283492-G-A.
Identifiers: ClinVar variation 718396 (VCV000718396.6), dbSNP rs143446090, ClinGen allele CA1894136.
Genomic context (GRCh38, chr2:140,525,923, plus strand): 5'-TGAATAGTCTCCACAGTCATTAGACCCGTCGCATATCCAGGTTGGCAGAACACACAGTGA[G>A]GTAGAATTACATCTTATGAACCCTGTGGTTTTCACTCCAAGCTTATAGAAATGTGTGCAG-3'
Protein context (NP_061027.2, residues 2639-2659): KTTGFIRCNS[Thr2649=]SLCVLPTWIC